The following is an entry in ClinVar:

NM_001355436.2(SPTB):c.6017G>C (p.Arg2006Pro)

Gene: SPTB (spectrin beta, erythrocytic; minus strand). Cytogenetic location: 14q23.3.
Variant type: single nucleotide variant.
Coding change: c.6017G>C on transcript NM_001355436.2 (MANE Select); coding-DNA position 6017, G replaced by C.
Protein change: p.Arg2006Pro; replaces arginine 2006 with proline.
Molecular consequence: missense variant.
Genome position (GRCh38, 1-based): chr14:64,769,039, C>G on the plus strand (G>C on the coding strand, the complement: SPTB is on the minus strand). VCF-style: chr14-64769039-C-G. GRCh37 (hg19) VCF-style: chr14-65235757-C-G.
Other names: c.6017G>C, p.Arg2006Pro (NM_001024858.4, NM_001355437.2); short protein forms R2006P.
Identifiers: ClinVar variation 2983775 (VCV002983775.3), dbSNP rs767230972, ClinGen allele CA390039621.

ClinVar aggregate classification (germline): Uncertain significance (1 of 4 stars; one submission).

gnomAD v4.1: 2 of 1,612,652 alleles (0.00012%); highest among the groups gnomAD compares: East Asian, 0.0022%; no homozygotes.

Submission:

Labcorp Genetics (formerly Invitae), Labcorp
Classification: Uncertain significance. Last evaluated: 2025-10-21. Review status: criteria provided, single submitter. Criteria: Invitae Variant Classification Sherloc (09022015). Collection method: clinical testing. Allele origin: germline.
Comment: This sequence change replaces arginine, which is basic and polar, with proline, which is neutral and non-polar, at codon 2006 of the SPTB protein (p.Arg2006Pro). This variant is present in population databases (no rsID available, gnomAD 0.003%). This variant has not been reported in the literature in individuals affected with SPTB-related conditions. ClinVar contains an entry for this variant (Variation ID: 2983775). An algorithm developed to predict the effect of missense changes on protein structure and function (PolyPhen-2) suggests that this variant is likely to be tolerated. In summary, the available evidence is currently insufficient to determine the role of this variant in disease. Therefore, it has been classified as a Variant of Uncertain Significance.